The following is an entry in ClinVar:

NM_020366.4(RPGRIP1):c.2692A>G (p.Lys898Glu)

Gene: RPGRIP1 (RPGR interacting protein 1; plus strand). Cytogenetic location: 14q11.2.
Variant type: single nucleotide variant.
Coding change: c.2692A>G on transcript NM_020366.4 (MANE Select); coding-DNA position 2692, A replaced by G.
Protein change: p.Lys898Glu; replaces lysine 898 with glutamic acid.
Molecular consequence: missense variant. On other transcripts: intron variant (4).
Genome position (GRCh38, 1-based): chr14:21,326,155, A>G. VCF-style: chr14-21326155-A-G. GRCh37 (hg19) VCF-style: chr14-21794314-A-G.
Other names: c.1618A>G, p.Lys540Glu (NM_001377948.1); c.796+1430A>G (NM_001377949.1); c.689-1468A>G (NM_001377523.1, NM_001377950.1); c.191-1468A>G (NM_001377951.1); short protein forms K540E, K898E.
Identifiers: ClinVar variation 1476938 (VCV001476938.10), dbSNP rs1182119707, ClinGen allele CA388869607.

ClinVar aggregate classification (germline): Uncertain significance. Review status: criteria provided, multiple submitters, no conflicts (2 of 4 stars). 2 submissions from 2 submitters: Uncertain significance (2). Last evaluated 2022-07-01.

Conditions:
Leber congenital amaurosis 6 (LCA6). Identifiers: Orphanet 65, MedGen C1854260, MONDO:0013446, OMIM 613826.
Cone-rod dystrophy 13 (CORD13). Identifiers: Orphanet 1872, MedGen C2750720, MONDO:0011987, OMIM 608194.

Allele frequency attached by ClinVar (database versions not stated): gnomAD exomes below 0.00001 and 0.00001.
gnomAD v4.1: 8 of 1,572,758 alleles (0.00051%); highest among the groups gnomAD compares: Non-Finnish European, 0.00069%; no homozygotes.

Submissions (2):

Labcorp Genetics (formerly Invitae), Labcorp
Classification: Uncertain significance for Leber congenital amaurosis 6; Cone-rod dystrophy 13. Last evaluated: 2022-07-01. Review status: criteria provided, single submitter. Criteria: Invitae Variant Classification Sherloc (09022015). Collection method: clinical testing. Allele origin: germline.
Comment: This variant is not present in population databases (gnomAD no frequency). This sequence change replaces lysine, which is basic and polar, with glutamic acid, which is acidic and polar, at codon 898 of the RPGRIP1 protein (p.Lys898Glu). This variant has not been reported in the literature in individuals affected with RPGRIP1-related conditions. In summary, the available evidence is currently insufficient to determine the role of this variant in disease. Therefore, it has been classified as a Variant of Uncertain Significance. Algorithms developed to predict the effect of sequence changes on RNA splicing suggest that this variant may create or strengthen a splice site. Algorithms developed to predict the effect of missense changes on protein structure and function (SIFT, PolyPhen-2, Align-GVGD) all suggest that this variant is likely to be tolerated. ClinVar contains an entry for this variant (Variation ID: 1476938).

DBGen Ocular Genomics
Classification: Uncertain significance for Cone-rod dystrophy 13. Last evaluated: 2021-01-01. Review status: criteria provided, single submitter. Criteria: ACMG Guidelines, 2015. Collection method: clinical testing. Allele origin: unknown. Affected: yes.
Comment: Class 3 ACMG Guidelines, 2015